The following is an entry in ClinVar:

NM_017636.4(TRPM4):c.2684T>A (p.Leu895His)

Gene: TRPM4 (transient receptor potential cation channel subfamily M member 4; plus strand). Cytogenetic location: 19q13.33.
Variant type: single nucleotide variant.
Coding change: c.2684T>A on transcript NM_017636.4 (MANE Select); coding-DNA position 2684, T replaced by A.
Protein change: p.Leu895His; replaces leucine 895 with histidine.
Molecular consequence: missense variant.
Genome position (GRCh38, 1-based): chr19:49,200,338, T>A. VCF-style: chr19-49200338-T-A. GRCh37 (hg19) VCF-style: chr19-49703595-T-A.
Other names: c.2249T>A, p.Leu750His (NM_001195227.2); c.2339T>A, p.Leu780His (NM_001321281.2); c.1076T>A, p.Leu359His (NM_001321282.2); c.2162T>A, p.Leu721His (NM_001321283.2); c.1622T>A, p.Leu541His (NM_001321285.2); short protein forms L359H, L541H, L721H, L750H, L780H, L895H.
Identifiers: ClinVar variation 1677731 (VCV001677731.6), dbSNP rs1284143996, ClinGen allele CA406810151.
Genomic context (GRCh38, chr19:49,200,338, plus strand): 5'-GTGGCATCTCCCCACACCCCAGGCTGACCCCGGGTTTGTACCACCTGGGCCGCACTGTCC[T>A]CTGCATCGACTTCATGGTTTTCACGGTGCGGCTGCTTCACATCTTCACGGTCAACAAACA-3'
Protein context (NP_060106.2, residues 885-905): PGLYHLGRTV[Leu895His]CIDFMVFTVR

ClinVar aggregate classification (germline): Uncertain significance. Review status: criteria provided, multiple submitters, no conflicts (2 of 4 stars). 2 submissions from 2 submitters: Uncertain significance (2). Last evaluated 2023-04-24.

Conditions:
Progressive familial heart block type IB (PFHB1B). Identifiers: Orphanet 871, MedGen C1970298, MONDO:0011474, OMIM 604559.

Allele frequency attached by ClinVar (database versions not stated): gnomAD exomes below 0.00001; TOPMed below 0.00001.

Submissions (2):

Labcorp Genetics (formerly Invitae), Labcorp
Classification: Uncertain significance for Progressive familial heart block type IB. Last evaluated: 2023-04-24. Review status: criteria provided, single submitter. Criteria: Invitae Variant Classification Sherloc (09022015). Collection method: clinical testing. Allele origin: germline.
Comment: This sequence change replaces leucine, which is neutral and non-polar, with histidine, which is basic and polar, at codon 895 of the TRPM4 protein (p.Leu895His). This variant is present in population databases (no rsID available, gnomAD 0.0009%). This variant has not been reported in the literature in individuals affected with TRPM4-related conditions. ClinVar contains an entry for this variant (Variation ID: 1677731). An algorithm developed to predict the effect of missense changes on protein structure and function (PolyPhen-2) suggests that this variant is likely to be disruptive. In summary, the available evidence is currently insufficient to determine the role of this variant in disease. Therefore, it has been classified as a Variant of Uncertain Significance.

AiLife Diagnostics
Classification: Uncertain significance. Last evaluated: 2021-12-27. Review status: criteria provided, single submitter. Criteria: ACMG Guidelines, 2015. Collection method: clinical testing. Allele origin: germline. Affected: yes. Observed: 1 variant allele.